The following is an entry in ClinVar:

ClinVar aggregate classification (germline): Uncertain significance. Review status: criteria provided, multiple submitters, no conflicts (2 of 4 stars). 2 submissions from 2 submitters: Uncertain significance (2). Last evaluated 2023-12-31.

Conditions:
RASopathy. Also called: rasopathies; Noonan spectrum disorder. Identifiers: Orphanet 536391, MedGen C5555857, MONDO:0021060.

Allele frequency attached by ClinVar (database versions not stated): gnomAD exomes below 0.00001; gnomAD 0.00001.
gnomAD v4.1: 2 of 1,614,044 alleles (0.00012%); highest among the groups gnomAD compares: Admixed American, 0.0017%; no homozygotes.

Submissions (2):

GeneDx
Classification: Uncertain significance. Last evaluated: 2023-12-31. Review status: criteria provided, single submitter. Criteria: GeneDx Variant Classification Process June 2021. Collection method: clinical testing. Allele origin: germline. Affected: yes.
Comment: Not observed at significant frequency in large population cohorts (gnomAD); Missense variants in this gene are a common cause of disease and they are underrepresented in the general population; In silico analysis supports that this missense variant does not alter protein structure/function; Has not been previously published as pathogenic or benign to our knowledge; This variant is associated with the following publications: (PMID: 29493581)

Labcorp Genetics (formerly Invitae), Labcorp
Classification: Uncertain significance for RASopathy. Last evaluated: 2018-01-29. Review status: criteria provided, single submitter. Criteria: Invitae Variant Classification Sherloc (09022015). Collection method: clinical testing. Allele origin: germline.
Comment: This sequence change replaces valine with leucine at codon 88 of the RAF1 protein (p.Val88Leu). The valine residue is highly conserved and there is a small physicochemical difference between valine and leucine. This variant is not present in population databases (ExAC no frequency). This variant has not been reported in the literature in individuals with RAF1-related disease. Algorithms developed to predict the effect of missense changes on protein structure and function (SIFT, PolyPhen-2, Align-GVGD) all suggest that this variant is likely to be tolerated, but these predictions have not been confirmed by published functional studies and their clinical significance is uncertain. In summary, the available evidence is currently insufficient to determine the role of this variant in disease. Therefore, it has been classified as a Variant of Uncertain Significance.

NM_002880.4(RAF1):c.262G>T (p.Val88Leu)

Gene: RAF1 (Raf-1 proto-oncogene, serine/threonine kinase; minus strand). Cytogenetic location: 3p25.2.
Variant type: single nucleotide variant.
Coding change: c.262G>T on transcript NM_002880.4 (MANE Select); coding-DNA position 262, G replaced by T.
Protein change: p.Val88Leu; replaces valine 88 with leucine.
Molecular consequence: missense variant. On other transcripts: non-coding transcript variant (3), intron variant (4).
Genome position (GRCh38, 1-based): chr3:12,612,008, C>A on the plus strand (G>T on the coding strand, the complement: RAF1 is on the minus strand). VCF-style: chr3-12612008-C-A. GRCh37 (hg19) VCF-style: chr3-12653507-C-A.
Other names: c.262G>T, p.Val88Leu (NM_001354689.3, NM_001354690.3, NM_001354693.3); c.78-2673G>T (NM_001354695.3, NM_001354692.3, NM_001354694.3 and 1 more transcripts); short protein forms V88L.
Identifiers: ClinVar variation 575205 (VCV000575205.11), dbSNP rs1559438429, ClinGen allele CA351520840.
Genomic context (GRCh38, chr3:12,612,008, plus strand): 5'-ACCCTTTGTGTTCGTGGAGAAGTCTGAACACTGCACAGCACTCTGGTTGCAGGCCCCTCA[C>A]CTTGAGTGCTTTCATAAGGCAGTCATGCAAGCTCATTCCATTTCGCACATTGACCTACAA-3'
Protein context (NP_002871.1, residues 78-98): LHDCLMKALK[Val88Leu]RGLQPECCAV